The following is an entry in ClinVar:

NM_138959.3(VANGL1):c.*2581G>A

Gene: VANGL1 (VANGL planar cell polarity protein 1; plus strand). Cytogenetic location: 1p13.1.
Variant type: single nucleotide variant.
Coding change: c.*2581G>A on transcript NM_138959.3 (MANE Select); 2581 bases downstream of the stop codon, G replaced by A.
Molecular consequence: 3 prime UTR variant.
Genome position (GRCh38, 1-based): chr1:115,693,960, G>A. VCF-style: chr1-115693960-G-A. GRCh37 (hg19) VCF-style: chr1-116236581-G-A.
Other names: c.*2581G>A (NM_001172411.2, NM_001172412.2).
Identifiers: ClinVar variation 292057 (VCV000292057.6), dbSNP rs3811008, ClinGen allele CA10607561.

ClinVar aggregate classification (germline): Benign. Review status: criteria provided, multiple submitters, no conflicts (2 of 4 stars). 3 submissions from 2 submitters: Benign (3). Last evaluated 2018-01-12.

Conditions:
Sacral defect with anterior meningocele. Identifiers: MedGen C1838568, OMIM 600145.
Neural tube defect (NTD). Also called: Neural tube defects. Identifiers: Orphanet 3388, Orphanet 823, MedGen C0027794, MONDO:0018075, HP:0045005.

Allele frequency attached by ClinVar (database versions not stated): TOPMed 0.10129; 1000 Genomes Project 0.10244; gnomAD 0.10301 and 0.10587; 1000 Genomes Project 30x 0.10806.

Submissions (3):

Illumina Laboratory Services, Illumina
Classification: Benign for Sacral defect with anterior meningocele. Last evaluated: 2018-01-12. Review status: criteria provided, single submitter. Criteria: ICSL Variant Classification Criteria 13 December 2019. Collection method: clinical testing. Allele origin: germline.
Comment: This variant was observed in the ICSL laboratory as part of a predisposition screen in an ostensibly healthy population. It had not been previously curated by ICSL or reported in the Human Gene Mutation Database (HGMD: prior to June 1st, 2018), and was therefore a candidate for classification through an automated scoring system. Utilizing variant allele frequency, disease prevalence and penetrance estimates, and inheritance mode, an automated score was calculated to assess if this variant is too frequent to cause the disease. Based on the score and internal cut-off values, a variant classified as benign is not then subjected to further curation. The score for this variant resulted in a classification of benign for this disease.

Illumina Laboratory Services, Illumina
Classification: Benign for Neural tube defects, susceptibility to. Last evaluated: 2018-01-12. Review status: criteria provided, single submitter. Criteria: ICSL Variant Classification Criteria 13 December 2019. Collection method: clinical testing. Allele origin: germline.
Comment: the same text as in the submission from Illumina Laboratory Services, Illumina above.

Breakthrough Genomics
Classification: Benign. Review status: criteria provided, single submitter. Criteria: ACMG Guidelines, 2015. Collection method: not provided. Allele origin: germline. Inheritance: Autosomal dominant inheritance. Affected: yes.